The following is an entry in ClinVar:

NM_000138.5(FBN1):c.8431G>T (p.Gly2811Trp)

Gene: FBN1 (fibrillin 1; minus strand). Cytogenetic location: 15q21.1.
Variant type: single nucleotide variant.
Coding change: c.8431G>T on transcript NM_000138.5 (MANE Select); coding-DNA position 8431, G replaced by T.
Protein change: p.Gly2811Trp; replaces glycine 2811 with tryptophan.
Molecular consequence: missense variant.
Genome position (GRCh38, 1-based): chr15:48,411,175, C>A on the plus strand (G>T on the coding strand, the complement: FBN1 is on the minus strand). VCF-style: chr15-48411175-C-A. GRCh37 (hg19) VCF-style: chr15-48703372-C-A.
Other names: c.8431G>T, p.Gly2811Trp (NM_001406716.1); short protein forms G2811W.
Identifiers: ClinVar variation 1763366 (VCV001763366.2), dbSNP rs2505371070, ClinGen allele CA392319075.

ClinVar aggregate classification (germline): Uncertain significance (1 of 4 stars; one submission).

Conditions:
Familial thoracic aortic aneurysm and aortic dissection (TAAD). Also called: Thoracic aortic aneurysms and dissections. Identifiers: Orphanet 91387, MedGen C4707243, MONDO:0019625.

Submission:

Ambry Genetics
Classification: Uncertain significance for Familial thoracic aortic aneurysm and aortic dissection. Last evaluated: 2021-11-30. Review status: criteria provided, single submitter. Criteria: Ambry Variant Classification Scheme 2023. Collection method: clinical testing. Allele origin: germline.
Comment: The p.G2811W variant (also known as c.8431G>T), located in coding exon 65 of the FBN1 gene, results from a G to T substitution at nucleotide position 8431. The glycine at codon 2811 is replaced by tryptophan, an amino acid with highly dissimilar properties. This amino acid position is highly conserved in available vertebrate species. In addition, this alteration is predicted to be deleterious by in silico analysis. Since supporting evidence is limited at this time, the clinical significance of this alteration remains unclear.